The following is an entry in ClinVar:

ClinVar aggregate classification (germline): Uncertain significance. Review status: criteria provided, multiple submitters, no conflicts (2 of 4 stars). 2 submissions from 2 submitters: Uncertain significance (2). Last evaluated 2026-03-17.

gnomAD v4.1: 2 of 1,614,144 alleles (0.00012%); highest among the groups gnomAD compares: African/African-American, 0.0013%; no homozygotes.

Submissions (2):

GeneDx
Classification: Uncertain significance. Last evaluated: 2026-03-17. Review status: criteria provided, single submitter. Criteria: GeneDx Variant Classification Process June 2021. Collection method: clinical testing. Allele origin: germline.
Comment: Not observed at significant frequency in large population cohorts (gnomAD); In silico analysis supports that this missense variant has a deleterious effect on protein structure/function; Has not been previously published as pathogenic or benign to our knowledge

Blueprint Genetics
Classification: Uncertain significance. Last evaluated: 2024-09-12. Review status: criteria provided, single submitter. Criteria: ACMG Guidelines, 2015. Collection method: clinical testing. Allele origin: germline.

NM_001271.4(CHD2):c.4738C>T (p.Arg1580Cys)

Gene: CHD2 (chromodomain helicase DNA binding protein 2; plus strand). Cytogenetic location: 15q26.1.
Variant type: single nucleotide variant.
Coding change: c.4738C>T on transcript NM_001271.4 (MANE Select); coding-DNA position 4738, C replaced by T.
Protein change: p.Arg1580Cys; replaces arginine 1580 with cysteine.
Molecular consequence: missense variant.
Genome position (GRCh38, 1-based): chr15:93,014,741, C>T. VCF-style: chr15-93014741-C-T. GRCh37 (hg19) VCF-style: chr15-93557971-C-T.
Other names: c.4738C>T (NM_001271.3); short protein forms R1580C.
Identifiers: ClinVar variation 4926726 (VCV004926726.2).